The following is an entry in ClinVar:

NM_001267550.2(TTN):c.19390G>A (p.Gly6464Arg)

Gene: TTN (titin; minus strand). Cytogenetic location: 2q31.2.
Variant type: single nucleotide variant.
Coding change: c.19390G>A on transcript NM_001267550.2 (MANE Select); coding-DNA position 19390, G replaced by A.
Protein change: p.Gly6464Arg; replaces glycine 6464 with arginine.
Molecular consequence: missense variant. On other transcripts: intron variant (3).
Genome position (GRCh38, 1-based): chr2:178,728,536, C>T on the plus strand (G>A on the coding strand, the complement: TTN is on the minus strand). VCF-style: chr2-178728536-C-T. GRCh37 (hg19) VCF-style: chr2-179593263-C-T.
Other names: c.18439G>A, p.Gly6147Arg (NM_001256850.1); c.15658G>A, p.Gly5220Arg (NM_133378.4); c.13282+9546G>A (NM_003319.4); c.13858+9546G>A (NM_133437.4); c.13657+9546G>A (NM_133432.3); short protein forms G5220R, G6147R, G6464R.
Identifiers: ClinVar variation 3894820 (VCV003894820.2), dbSNP rs755082868.

ClinVar aggregate classification (germline): Conflicting classifications of pathogenicity. Review status: criteria provided, conflicting classifications (1 of 4 stars). 2 submissions from 2 submitters: Uncertain significance (1); Likely benign (1). Last evaluated 2026-09-01.

gnomAD v4.1: 13 of 1,612,350 alleles (0.00081%); highest among the groups gnomAD compares: Admixed American, 0.0017%; no homozygotes.

Submissions (2):

CeGaT Center for Human Genetics Tuebingen
Classification: Uncertain significance. Last evaluated: 2026-09-01. Review status: criteria provided, single submitter. Criteria: CeGaT Center For Human Genetics Tuebingen Variant Classification Criteria Version 2. Collection method: clinical testing. Allele origin: germline. Affected: yes. Observed: 1 variant allele.
Comment: TTN: PM2

Molecular Diagnostic Laboratory for Inherited Cardiovascular Disease, Montreal Heart Institute
Classification: Likely benign. Last evaluated: 2025-04-09. Review status: criteria provided, single submitter. Criteria: ACMG Guidelines, 2015. Collection method: clinical testing. Allele origin: germline. Affected: no.